The following is an entry in ClinVar:

ClinVar aggregate classification (germline): Uncertain significance (1 of 4 stars; one submission).

Allele frequency attached by ClinVar (database versions not stated): gnomAD exomes 0.00001.
gnomAD v4.1: 10 of 1,613,740 alleles (0.00062%); highest among the groups gnomAD compares: Non-Finnish European, 0.00076%; no homozygotes.

Submission:

Labcorp Genetics (formerly Invitae), Labcorp
Classification: Uncertain significance. Last evaluated: 2021-11-12. Review status: criteria provided, single submitter. Criteria: Invitae Variant Classification Sherloc (09022015). Collection method: clinical testing. Allele origin: germline.
Comment: In summary, the available evidence is currently insufficient to determine the role of this variant in disease. Therefore, it has been classified as a Variant of Uncertain Significance. Algorithms developed to predict the effect of missense changes on protein structure and function output the following: SIFT: "Tolerated"; PolyPhen-2: "Benign"; Align-GVGD: "Class C0". The isoleucine amino acid residue is found in multiple mammalian species, which suggests that this missense change does not adversely affect protein function. This variant has not been reported in the literature in individuals affected with C8B-related conditions. This variant is not present in population databases (gnomAD no frequency). This sequence change replaces valine, which is neutral and non-polar, with isoleucine, which is neutral and non-polar, at codon 500 of the C8B protein (p.Val500Ile).

NM_000066.4(C8B):c.1498G>A (p.Val500Ile)

Gene: C8B (complement C8 beta chain; minus strand). Cytogenetic location: 1p32.2.
Variant type: single nucleotide variant.
Coding change: c.1498G>A on transcript NM_000066.4 (MANE Select); coding-DNA position 1498, G replaced by A.
Protein change: p.Val500Ile; replaces valine 500 with isoleucine.
Molecular consequence: missense variant.
Genome position (GRCh38, 1-based): chr1:56,933,389, C>T on the plus strand (G>A on the coding strand, the complement: C8B is on the minus strand). VCF-style: chr1-56933389-C-T. GRCh37 (hg19) VCF-style: chr1-57399062-C-T.
Other names: c.1342G>A, p.Val448Ile (NM_001278543.2); c.1312G>A, p.Val438Ile (NM_001278544.2); short protein forms V500I, V438I, V448I.
Identifiers: ClinVar variation 1392761 (VCV001392761.6), dbSNP rs2101357396, ClinGen allele CA340520322.
Genomic context (GRCh38, chr1:56,933,389, plus strand): 5'-TGGTACCTTTCAGGACAGGGACTCCATTTCCTTGGCAGGGAGCACAGTGGCAGGAACTAA[C>T]TTCCTTCTGGAACTCCTCCAGTGCCTGCTTCATGTTCTGCCTCACTGTGCTGGAATAGGC-3'
Protein context (NP_000057.3, residues 490-510): KQALEEFQKE[Val500Ile]SSCHCAPCQG